The following is an entry in ClinVar:

ClinVar aggregate classification (germline): Likely benign. Review status: criteria provided, multiple submitters, no conflicts (2 of 4 stars). 4 submissions from 4 submitters: Likely benign (4). Last evaluated 2026-01-13.

Allele frequency attached by ClinVar (database versions not stated): 1000 Genomes Project 0.00040; 1000 Genomes Project 30x 0.00047.
gnomAD v4.1: 527 of 1,520,708 alleles (0.035%); highest among the groups gnomAD compares: Middle Eastern, 0.66%; 1 homozygote.

Submissions (4):

Labcorp Genetics (formerly Invitae), Labcorp
Classification: Likely benign. Last evaluated: 2026-01-13. Review status: criteria provided, single submitter. Criteria: Invitae Variant Classification Sherloc (09022015). Collection method: clinical testing. Allele origin: germline.

Blueprint Genetics
Classification: Likely benign. Last evaluated: 2024-11-06. Review status: criteria provided, single submitter. Criteria: ACMG Guidelines, 2015. Collection method: clinical testing. Allele origin: germline.

CeGaT Center for Human Genetics Tuebingen
Classification: Likely benign. Last evaluated: 2022-10-01. Review status: criteria provided, single submitter. Criteria: CeGaT Center For Human Genetics Tuebingen Variant Classification Criteria Version 2. Collection method: clinical testing. Allele origin: germline. Affected: yes. Observed: 3 variant alleles.
Comment: AP3B2: BP4, BP7

Breakthrough Genomics
Classification: Likely benign. Review status: criteria provided, single submitter. Criteria: ACMG Guidelines, 2015. Collection method: not provided. Allele origin: germline. Inheritance: Autosomal recessive inheritance. Affected: yes.

NM_001278512.2(AP3B2):c.1032G>C (p.Leu344=)

Genes: AP3B2 (adaptor related protein complex 3 subunit beta 2; minus strand), CPEB1-AS1 (CPEB1 antisense RNA 1; plus strand). Cytogenetic location: 15q25.2.
Variant type: single nucleotide variant.
Coding change: c.1032G>C on transcript NM_001278512.2 (MANE Select); coding-DNA position 1032, G replaced by C.
Protein change: p.Leu344=; no amino-acid change (leucine 344 retained).
Molecular consequence: synonymous variant.
Genome position (GRCh38, 1-based): chr15:82,680,495, C>G on the plus strand (G>C on the coding strand, the complement: AP3B2 is on the minus strand). VCF-style: chr15-82680495-C-G. GRCh37 (hg19) VCF-style: chr15-83349247-C-G.
Other names: c.936G>C, p.Leu312= (NM_001278511.2); c.1032G>C, p.Leu344= (NM_004644.5).
Identifiers: ClinVar variation 1298632 (VCV001298632.41), dbSNP rs538786696, ClinGen allele CA7700347.